The following is an entry in ClinVar:

ClinVar aggregate classification (germline): Uncertain significance (1 of 4 stars; one submission).

Allele frequency attached by ClinVar (database versions not stated): TOPMed below 0.00001; gnomAD exomes 0.00001.
gnomAD v4.1: 6 of 1,593,250 alleles (0.00038%); highest among the groups gnomAD compares: Non-Finnish European, 0.00051%; no homozygotes.

Submission:

Labcorp Genetics (formerly Invitae), Labcorp
Classification: Uncertain significance. Last evaluated: 2021-06-24. Review status: criteria provided, single submitter. Criteria: Invitae Variant Classification Sherloc (09022015). Collection method: clinical testing. Allele origin: germline.
Comment: This sequence change replaces tryptophan with cysteine at codon 441 of the PDZD7 protein (p.Trp441Cys). The tryptophan residue is moderately conserved and there is a large physicochemical difference between tryptophan and cysteine. This variant is not present in population databases (ExAC no frequency). This variant has not been reported in the literature in individuals affected with PDZD7-related conditions. Algorithms developed to predict the effect of missense changes on protein structure and function are either unavailable or do not agree on the potential impact of this missense change (SIFT: "Tolerated"; PolyPhen-2: "Not Available"; Align-GVGD: "Class C0"). In summary, the available evidence is currently insufficient to determine the role of this variant in disease. Therefore, it has been classified as a Variant of Uncertain Significance.

NM_001195263.2(PDZD7):c.1323G>C (p.Trp441Cys)

Gene: PDZD7 (PDZ domain containing 7; minus strand). Cytogenetic location: 10q24.31.
Variant type: single nucleotide variant.
Coding change: c.1323G>C on transcript NM_001195263.2 (MANE Select); coding-DNA position 1323, G replaced by C.
Protein change: p.Trp441Cys; replaces tryptophan 441 with cysteine.
Molecular consequence: missense variant.
Genome position (GRCh38, 1-based): chr10:101,018,823, C>G on the plus strand (G>C on the coding strand, the complement: PDZD7 is on the minus strand). VCF-style: chr10-101018823-C-G. GRCh37 (hg19) VCF-style: chr10-102778580-C-G.
Other names: c.1323G>C, p.Trp441Cys (NM_001351044.2, NM_024895.5); short protein forms W441C.
Identifiers: ClinVar variation 1352897 (VCV001352897.8), dbSNP rs1187432177, ClinGen allele CA378228306.
Genomic context (GRCh38, chr10:101,018,823, plus strand): 5'-GAGACAGGTTTTGGACCAGAGGCTGTGGAGGGAGCAGCCGCCACCCATCCCCCACGTACC[C>G]CACAAGGTCAGATAGCTCTGGGAGCGCGTGATGGGGGGCCGGGGTCGGCTGAGGGCCAGC-3'
Protein context (NP_001182192.1, residues 431-451): ITRSQSYLTL[Trp441Cys]EEKQQRKKEK